The following is an entry in ClinVar:

NM_002500.5(NEUROD1):c.814C>A (p.Pro272Thr)

Gene: NEUROD1 (neuronal differentiation 1; minus strand). Cytogenetic location: 2q31.3.
Variant type: single nucleotide variant.
Coding change: c.814C>A on transcript NM_002500.5 (MANE Select); coding-DNA position 814, C replaced by A.
Protein change: p.Pro272Thr; replaces proline 272 with threonine.
Molecular consequence: missense variant.
Genome position (GRCh38, 1-based): chr2:181,678,047, G>T on the plus strand (C>A on the coding strand, the complement: NEUROD1 is on the minus strand). VCF-style: chr2-181678047-G-T. GRCh37 (hg19) VCF-style: chr2-182542774-G-T.
Other names: c.814C>A (NM_002500.3); short protein forms P272T.
Identifiers: ClinVar variation 1059324 (VCV001059324.9), dbSNP rs1365446719, ClinGen allele CA349782920.

ClinVar aggregate classification (germline): Uncertain significance. Review status: criteria provided, multiple submitters, no conflicts (2 of 4 stars). 3 submissions from 3 submitters: Uncertain significance (3). Last evaluated 2024-11-09.

Conditions:
Maturity-onset diabetes of the young type 6 (MODY6). Identifiers: Orphanet 552, MedGen C1853371, MONDO:0011668, OMIM 606394.
Type 2 diabetes mellitus. Also called: Type II diabetes mellitus. Identifiers: MedGen C0011860, MeSH D003924, MONDO:0005148, OMIM 125853, HP:0005978.
Inborn genetic diseases. Identifiers: MedGen C0950123, MeSH D030342.

Allele frequency attached by ClinVar (database versions not stated): gnomAD exomes 0.00001; TOPMed 0.00001.
gnomAD v4.1: 4 of 1,614,210 alleles (0.00025%); highest among the groups gnomAD compares: South Asian, 0.0022%; no homozygotes.

Submissions (3):

Ambry Genetics
Classification: Uncertain significance for Inborn genetic diseases. Last evaluated: 2024-11-09. Review status: criteria provided, single submitter. Criteria: Ambry Variant Classification Scheme 2023. Collection method: clinical testing. Allele origin: germline.

Fulgent Genetics
Classification: Uncertain significance for Type 2 diabetes mellitus; Maturity-onset diabetes of the young type 6. Last evaluated: 2024-06-14. Review status: criteria provided, single submitter. Criteria: ACMG Guidelines, 2015. Collection method: clinical testing. Allele origin: germline.

Labcorp Genetics (formerly Invitae), Labcorp
Classification: Uncertain significance. Last evaluated: 2022-12-08. Review status: criteria provided, single submitter. Criteria: Invitae Variant Classification Sherloc (09022015). Collection method: clinical testing. Allele origin: germline.
Comment: This sequence change replaces proline, which is neutral and non-polar, with threonine, which is neutral and polar, at codon 272 of the NEUROD1 protein (p.Pro272Thr). This variant is present in population databases (no rsID available, gnomAD 0.006%). This variant has not been reported in the literature in individuals affected with NEUROD1-related conditions. ClinVar contains an entry for this variant (Variation ID: 1059324). Advanced modeling of protein sequence and biophysical properties (such as structural, functional, and spatial information, amino acid conservation, physicochemical variation, residue mobility, and thermodynamic stability) performed at Invitae indicates that this missense variant is not expected to disrupt NEUROD1 protein function. In summary, the available evidence is currently insufficient to determine the role of this variant in disease. Therefore, it has been classified as a Variant of Uncertain Significance.